The following is an entry in ClinVar:

NM_001966.4(EHHADH):c.847A>G (p.Thr283Ala)

Gene: EHHADH (enoyl-CoA hydratase and 3-hydroxyacyl CoA dehydrogenase; minus strand). Cytogenetic location: 3q27.2.
Variant type: single nucleotide variant.
Coding change: c.847A>G on transcript NM_001966.4 (MANE Select); coding-DNA position 847, A replaced by G.
Protein change: p.Thr283Ala; replaces threonine 283 with alanine.
Molecular consequence: missense variant.
Genome position (GRCh38, 1-based): chr3:185,204,479, T>C on the plus strand (A>G on the coding strand, the complement: EHHADH is on the minus strand). VCF-style: chr3-185204479-T-C. GRCh37 (hg19) VCF-style: chr3-184922267-T-C.
Other names: NC_000003.11:g.184922267T>C; p.Thr283Ala; c.559A>G, p.Thr187Ala (NM_001166415.2); short protein forms T283A, T187A.
Identifiers: ClinVar variation 767943 (VCV000767943.9), dbSNP rs115754857, ClinGen allele CA2739113.

ClinVar aggregate classification (germline): Benign. Review status: criteria provided, multiple submitters, no conflicts (2 of 4 stars). 4 submissions from 4 submitters: Benign (3). 1 of the submissions does not count toward it. Last evaluated 2021-07-16.

Conditions:
EHHADH-related disorder. Also called: EHHADH-related condition.

Allele frequency attached by ClinVar (database versions not stated): gnomAD exomes 0.00111 and 0.00284; ExAC 0.00356; gnomAD 0.01070 and 0.01135; TOPMed 0.01164; ESP Exome Variant Server 0.01307; 1000 Genomes Project 0.01637; 1000 Genomes Project 30x 0.01671.
gnomAD v4.1: 3,347 of 1,613,588 alleles (0.21%); highest among the groups gnomAD compares: African/African-American, 3.7%; 55 homozygotes.

Submissions (11):

Mayo Clinic Laboratories, Mayo Clinic
Classification: Benign. Last evaluated: 2021-07-16. Review status: criteria provided, single submitter. Criteria: ACMG Guidelines, 2015. Collection method: clinical testing. Allele origin: germline. Observed: 10 variant alleles.

Labcorp Genetics (formerly Invitae), Labcorp
Classification: Benign. Last evaluated: 2019-12-31. Review status: criteria provided, single submitter. Criteria: Invitae Variant Classification Sherloc (09022015). Collection method: clinical testing. Allele origin: germline.

Breakthrough Genomics
Classification: Benign. Review status: criteria provided, single submitter. Criteria: ACMG Guidelines, 2015. Collection method: not provided. Allele origin: germline. Inheritance: Autosomal dominant inheritance. Affected: yes.

PreventionGenetics, part of Exact Sciences
Classification: Benign for EHHADH-related condition. Last evaluated: 2019-12-03. Review status: no assertion criteria provided. Collection method: clinical testing. Allele origin: germline. Not counted in ClinVar's aggregate classification.
Comment: This variant is classified as benign based on ACMG/AMP sequence variant interpretation guidelines (Richards et al. 2015 PMID: 25741868, with internal and published modifications).

Dr. Peter K. Rogan Lab, Western University
No classification provided (evidence only). Condition: Clear cell carcinoma of kidney. Review status: no classification provided. Collection method: in vitro. Allele origin: not applicable. Functional consequence: retained intron. Not counted in ClinVar's aggregate classification.

Dr. Peter K. Rogan Lab, Western University
No classification provided (evidence only). Condition: Uterine corpus endometrial carcinoma. Review status: no classification provided. Collection method: in vitro. Allele origin: not applicable. Functional consequence: skipped exon. Not counted in ClinVar's aggregate classification.

Dr. Peter K. Rogan Lab, Western University
No classification provided (evidence only). Condition: Uterine corpus endometrial carcinoma. Review status: no classification provided. Collection method: in vitro. Allele origin: not applicable. Functional consequence: retained intron. Not counted in ClinVar's aggregate classification.

Dr. Peter K. Rogan Lab, Western University
No classification provided (evidence only). Condition: Cervical cancer. Review status: no classification provided. Collection method: in vitro. Allele origin: not applicable. Functional consequence: skipped exon. Not counted in ClinVar's aggregate classification.

Dr. Peter K. Rogan Lab, Western University
No classification provided (evidence only). Condition: Hepatocellular carcinoma. Review status: no classification provided. Collection method: in vitro. Allele origin: not applicable. Functional consequence: skipped exon. Not counted in ClinVar's aggregate classification.

Dr. Peter K. Rogan Lab, Western University
No classification provided (evidence only). Condition: Thymoma. Review status: no classification provided. Collection method: in vitro. Allele origin: not applicable. Functional consequence: retained intron. Not counted in ClinVar's aggregate classification.

Dr. Peter K. Rogan Lab, Western University
No classification provided (evidence only). Condition: Ovarian serous cystadenocarcinoma. Review status: no classification provided. Collection method: in vitro. Allele origin: not applicable. Functional consequence: retained intron. Not counted in ClinVar's aggregate classification.